The following is an entry in ClinVar:

ClinVar aggregate classification (germline): Benign (1 of 4 stars; one submission).

Submission:

CeGaT Center for Human Genetics Tuebingen
Classification: Benign. Last evaluated: 2026-09-01. Review status: criteria provided, single submitter. Criteria: CeGaT Center For Human Genetics Tuebingen Variant Classification Criteria Version 2. Collection method: clinical testing. Allele origin: germline. Affected: yes. Observed: 2 variant alleles.
Comment: KCNQ1OT1: BS1, BS2

NM_000218.3(KCNQ1):c.1393+28109_1393+28112del

Genes: KCNQ1 (potassium voltage-gated channel subfamily Q member 1; plus strand), KCNQ1OT1 (KCNQ1 opposite strand/antisense transcript 1; minus strand). Cytogenetic location: 11p15.5.
Variant type: Deletion.
Coding change: c.1393+28109_1393+28112del on transcript NM_000218.3 (MANE Select); bases 28109 to 28112 of the intron after coding-DNA position 1393, 4 bases deleted (GTTT; older notation c.1393+28109_1393+28112delGTTT).
Molecular consequence: intron variant. On other transcripts: non-coding transcript variant (1).
Genome position (GRCh38, 1-based): chr11:2,616,963-2,616,966, GTTT deleted; deleting any 4 consecutive bases within chr11:2,616,962-2,616,966 gives the same sequence; the c. name uses the placement nearest the transcript's 3' end. VCF-style (leftmost placement, unchanged base first): chr11-2616961-GTGTT-G. GRCh37 (hg19) VCF-style: chr11-2638191-GTGTT-G.
Other names: c.1123+28109_1123+28112del (NM_001406837.1); c.1297+28109_1297+28112del (NM_001406836.1); c.853+28109_853+28112del (NM_001406838.1); c.1012+28109_1012+28112del (NM_181798.2).
Identifiers: ClinVar variation 5039636 (VCV005039636.1).